The following is an entry in ClinVar:

ClinVar aggregate classification (germline): Uncertain significance. Review status: criteria provided, multiple submitters, no conflicts (2 of 4 stars). 2 submissions from 2 submitters: Uncertain significance (2). Last evaluated 2025-08-01.

Conditions:
Mucolipidosis type IV (ML4). Also called: ML IV. Identifiers: Orphanet 578, MedGen C0238286, MONDO:0009653, OMIM 252650.
Inborn genetic diseases. Identifiers: MedGen C0950123, MeSH D030342.

Allele frequency attached by ClinVar (database versions not stated): gnomAD exomes below 0.00001 and 0.00001; gnomAD 0.00001; TOPMed 0.00001.
gnomAD v4.1: 4 of 1,614,046 alleles (0.00025%); highest among the groups gnomAD compares: Admixed American, 0.005%; no homozygotes.

Submissions (2):

Ambry Genetics
Classification: Uncertain significance for Inborn genetic diseases. Last evaluated: 2025-08-01. Review status: criteria provided, single submitter. Criteria: Ambry Variant Classification Scheme 2023. Collection method: clinical testing. Allele origin: germline.

Labcorp Genetics (formerly Invitae), Labcorp
Classification: Uncertain significance for Mucolipidosis type IV. Last evaluated: 2024-03-01. Review status: criteria provided, single submitter. Criteria: Invitae Variant Classification Sherloc (09022015). Collection method: clinical testing. Allele origin: germline.
Comment: This sequence change replaces lysine, which is basic and polar, with arginine, which is basic and polar, at codon 46 of the MCOLN1 protein (p.Lys46Arg). This variant is present in population databases (no rsID available, gnomAD 0.006%). This variant has not been reported in the literature in individuals affected with MCOLN1-related conditions. ClinVar contains an entry for this variant (Variation ID: 1425965). Advanced modeling of protein sequence and biophysical properties (such as structural, functional, and spatial information, amino acid conservation, physicochemical variation, residue mobility, and thermodynamic stability) has been performed at Invitae for this missense variant, however the output from this modeling did not meet the statistical confidence thresholds required to predict the impact of this variant on MCOLN1 protein function. In summary, the available evidence is currently insufficient to determine the role of this variant in disease. Therefore, it has been classified as a Variant of Uncertain Significance.

NM_020533.3(MCOLN1):c.137A>G (p.Lys46Arg)

Gene: MCOLN1 (mucolipin TRP cation channel 1; plus strand). Cytogenetic location: 19p13.2.
Variant type: single nucleotide variant.
Coding change: c.137A>G on transcript NM_020533.3 (MANE Select); coding-DNA position 137, A replaced by G.
Protein change: p.Lys46Arg; replaces lysine 46 with arginine.
Molecular consequence: missense variant.
Genome position (GRCh38, 1-based): chr19:7,525,066, A>G. VCF-style: chr19-7525066-A-G. GRCh37 (hg19) VCF-style: chr19-7589952-A-G.
Other names: c.137A>G (NM_020533.2); short protein forms K46R.
Identifiers: ClinVar variation 1425965 (VCV001425965.6), dbSNP rs893292707, ClinGen allele CA304894656.